The following is an entry in ClinVar:

ClinVar aggregate classification (germline): Uncertain significance. Review status: criteria provided, multiple submitters, no conflicts (2 of 4 stars). 2 submissions from 2 submitters: Uncertain significance (2). Last evaluated 2025-09-22.

Conditions:
Inborn genetic diseases. Identifiers: MedGen C0950123, MeSH D030342.

Allele frequency attached by ClinVar (database versions not stated): gnomAD 0.00003.
gnomAD v4.1: 99 of 1,614,198 alleles (0.0061%); highest among the groups gnomAD compares: Middle Eastern, 0.016%; no homozygotes.

Submissions (2):

Ambry Genetics
Classification: Uncertain significance for Inborn genetic diseases. Last evaluated: 2025-09-22. Review status: criteria provided, single submitter. Criteria: Ambry Variant Classification Scheme 2023. Collection method: clinical testing. Allele origin: germline.

Labcorp Genetics (formerly Invitae), Labcorp
Classification: Uncertain significance. Last evaluated: 2023-11-17. Review status: criteria provided, single submitter. Criteria: Invitae Variant Classification Sherloc (09022015). Collection method: clinical testing. Allele origin: germline.
Comment: This sequence change replaces arginine, which is basic and polar, with glycine, which is neutral and non-polar, at codon 849 of the LAMB1 protein (p.Arg849Gly). This variant is present in population databases (rs201329105, gnomAD 0.007%). This variant has not been reported in the literature in individuals affected with LAMB1-related conditions. An algorithm developed to predict the effect of missense changes on protein structure and function (PolyPhen-2) suggests that this variant is likely to be disruptive. In summary, the available evidence is currently insufficient to determine the role of this variant in disease. Therefore, it has been classified as a Variant of Uncertain Significance.

NM_002291.3(LAMB1):c.2545C>G (p.Arg849Gly)

Gene: LAMB1 (laminin subunit beta 1; minus strand). Cytogenetic location: 7q31.1.
Variant type: single nucleotide variant.
Coding change: c.2545C>G on transcript NM_002291.3 (MANE Select); coding-DNA position 2545, C replaced by G.
Protein change: p.Arg849Gly; replaces arginine 849 with glycine.
Molecular consequence: missense variant.
Genome position (GRCh38, 1-based): chr7:107,959,394, G>C on the plus strand (C>G on the coding strand, the complement: LAMB1 is on the minus strand). VCF-style: chr7-107959394-G-C. GRCh37 (hg19) VCF-style: chr7-107599839-G-C.
Other names: c.2545C>G (NM_002291.2); short protein forms R849G.
Identifiers: ClinVar variation 2739172 (VCV002739172.3), dbSNP rs201329105, ClinGen allele CA4435596.